The following is an entry in ClinVar:

NM_003640.5(ELP1):c.1360+153C>G

Gene: ELP1 (elongator acetyltransferase complex subunit 1; minus strand). Cytogenetic location: 9q31.3.
Variant type: single nucleotide variant.
Coding change: c.1360+153C>G on transcript NM_003640.5 (MANE Select); 153 bases into the intron after coding-DNA position 1360, C replaced by G.
Molecular consequence: intron variant.
Genome position (GRCh38, 1-based): chr9:108,910,857, G>C on the plus strand (C>G on the coding strand, the complement: ELP1 is on the minus strand). VCF-style: chr9-108910857-G-C. GRCh37 (hg19) VCF-style: chr9-111673137-G-C.
Other names: c.1018+153C>G (NM_001318360.2); c.313+153C>G (NM_001330749.2).
Identifiers: ClinVar variation 681861 (VCV000681861.1), dbSNP rs838820, ClinGen allele CA13118079.

ClinVar aggregate classification (germline): Benign (1 of 4 stars; one submission).

Allele frequency attached by ClinVar (database versions not stated): gnomAD 0.62125 and 0.62240; TOPMed 0.62359; 1000 Genomes Project 0.62939; 1000 Genomes Project 30x 0.63132.
gnomAD v4.1: 93,008 of 149,814 alleles (62%); highest among the groups gnomAD compares: African/African-American, 72%; 29,270 homozygotes.

Submission:

GeneDx
Classification: Benign. Last evaluated: 2018-06-19. Review status: criteria provided, single submitter. Criteria: GeneDx Variant Classification (06012015). Collection method: clinical testing. Allele origin: germline. Affected: yes.
Comment: This variant is considered likely benign or benign based on one or more of the following criteria: it is a conservative change, it occurs at a poorly conserved position in the protein, it is predicted to be benign by multiple in silico algorithms, and/or has population frequency not consistent with disease.